The following is an entry in ClinVar:

NM_020884.7(MYH7B):c.823C>T (p.Arg275Trp)

Gene: MYH7B (myosin heavy chain 7B; plus strand). Cytogenetic location: 20q11.22.
Variant type: single nucleotide variant.
Coding change: c.823C>T on transcript NM_020884.7 (MANE Select); coding-DNA position 823, C replaced by T.
Protein change: p.Arg275Trp; replaces arginine 275 with tryptophan.
Molecular consequence: missense variant.
Genome position (GRCh38, 1-based): chr20:34,986,117, C>T. VCF-style: chr20-34986117-C-T. GRCh37 (hg19) VCF-style: chr20-33573920-C-T.
Other names: short protein forms R275W.
Identifiers: ClinVar variation 2510818 (VCV002510818.3), dbSNP rs367773248, ClinGen allele CA9826678.

ClinVar aggregate classification (germline): Uncertain significance. Review status: criteria provided, multiple submitters, no conflicts (2 of 4 stars). 2 submissions from 2 submitters: Uncertain significance (2). Last evaluated 2025-02-18.

Allele frequency attached by ClinVar (database versions not stated): gnomAD 0.00002; TOPMed 0.00002; ESP Exome Variant Server 0.00008.
gnomAD v4.1: 43 of 1,588,278 alleles (0.0027%); highest among the groups gnomAD compares: Middle Eastern, 0.016%; no homozygotes.

Submissions (2):

Labcorp Genetics (formerly Invitae), Labcorp
Classification: Uncertain significance. Last evaluated: 2025-02-18. Review status: criteria provided, single submitter. Criteria: Invitae Variant Classification Sherloc (09022015). Collection method: clinical testing. Allele origin: germline.
Comment: This sequence change replaces arginine, which is basic and polar, with tryptophan, which is neutral and slightly polar, at codon 317 of the MYH7B protein (p.Arg317Trp). This variant is present in population databases (rs367773248, gnomAD 0.008%). This variant has not been reported in the literature in individuals affected with MYH7B-related conditions. ClinVar contains an entry for this variant (Variation ID: 2510818). Invitae Evidence Modeling of protein sequence and biophysical properties (such as structural, functional, and spatial information, amino acid conservation, physicochemical variation, residue mobility, and thermodynamic stability) indicates that this missense variant is expected to disrupt MYH7B protein function with a positive predictive value of 80%. In summary, the available evidence is currently insufficient to determine the role of this variant in disease. Therefore, it has been classified as a Variant of Uncertain Significance.

Ambry Genetics
Classification: Uncertain significance. Last evaluated: 2023-04-18. Review status: criteria provided, single submitter. Criteria: Ambry Variant Classification Scheme 2023. Collection method: clinical testing. Allele origin: germline.